The following is an entry in ClinVar:

ClinVar aggregate classification (germline): Likely benign (0 of 4 stars; one submission).

Conditions:
ICE2-related disorder. Also called: ICE2-related condition.

Allele frequency attached by ClinVar (database versions not stated): gnomAD exomes below 0.00001.
gnomAD v4.1: 5 of 1,612,906 alleles (0.00031%); highest among the groups gnomAD compares: South Asian, 0.0044%; no homozygotes.

Submission:

PreventionGenetics, part of Exact Sciences
Classification: Likely benign for ICE2-related condition. Last evaluated: 2023-08-01. Review status: no assertion criteria provided. Collection method: clinical testing. Allele origin: germline.
Comment: This variant is classified as likely benign based on ACMG/AMP sequence variant interpretation guidelines (Richards et al. 2015 PMID: 25741868, with internal and published modifications).

NM_024611.6(ICE2):c.41+10A>T

Gene: ICE2 (interactor of little elongation complex ELL subunit 2; minus strand). Cytogenetic location: 15q22.2.
Variant type: single nucleotide variant.
Coding change: c.41+10A>T on transcript NM_024611.6 (MANE Select); 10 bases into the intron after coding-DNA position 41, A replaced by T.
Molecular consequence: intron variant.
Genome position (GRCh38, 1-based): chr15:60,477,927, T>A on the plus strand (A>T on the coding strand, the complement: ICE2 is on the minus strand). VCF-style: chr15-60477927-T-A. GRCh37 (hg19) VCF-style: chr15-60770126-T-A.
Other names: c.-211+10A>T (NM_001018089.3); c.41+10A>T (NM_001276385.2).
Identifiers: ClinVar variation 3054536 (VCV003054536.2), dbSNP rs2505763455, ClinGen allele CA2628765818.